The following is an entry in ClinVar:

ClinVar aggregate classification (germline): Uncertain significance. Review status: criteria provided, multiple submitters, no conflicts (2 of 4 stars). 2 submissions from 2 submitters: Uncertain significance (2). Last evaluated 2022-05-12.

Conditions:
Neurofibromatosis, type 1 (NF1). Also called: Peripheral type neurofibromatosis; VON RECKLINGHAUSEN DISEASE; NEUROFIBROMATOSIS, TYPE I, SOMATIC; Neurofibromatosis, type I. Identifiers: Orphanet 636, MedGen C0027831, MONDO:0018975, OMIM 162200. Disease mechanism: loss of function.
Cardiovascular phenotype. Identifiers: MedGen CN230736.
Hereditary cancer-predisposing syndrome. Also called: Neoplastic Syndromes, Hereditary; Tumor predisposition; Hereditary neoplastic syndrome; Hereditary Cancer Syndrome. Identifiers: Orphanet 140162, MedGen C0027672, MeSH D009386, MONDO:0015356.

Submissions (2):

Labcorp Genetics (formerly Invitae), Labcorp
Classification: Uncertain significance for Neurofibromatosis, type 1. Last evaluated: 2022-05-12. Review status: criteria provided, single submitter. Criteria: Invitae Variant Classification Sherloc (09022015). Collection method: clinical testing. Allele origin: germline.
Comment: In summary, the available evidence is currently insufficient to determine the role of this variant in disease. Therefore, it has been classified as a Variant of Uncertain Significance. Algorithms developed to predict the effect of sequence changes on RNA splicing suggest that this variant may create or strengthen a splice site. Advanced modeling of protein sequence and biophysical properties (such as structural, functional, and spatial information, amino acid conservation, physicochemical variation, residue mobility, and thermodynamic stability) performed at Invitae indicates that this missense variant is not expected to disrupt NF1 protein function. This variant has not been reported in the literature in individuals affected with NF1-related conditions. This variant is not present in population databases (gnomAD no frequency). This sequence change replaces leucine, which is neutral and non-polar, with phenylalanine, which is neutral and non-polar, at codon 2327 of the NF1 protein (p.Leu2327Phe).

Ambry Genetics
Classification: Uncertain significance for Cardiovascular phenotype; Hereditary cancer-predisposing syndrome. Last evaluated: 2020-10-26. Review status: criteria provided, single submitter. Criteria: Ambry Variant Classification Scheme 2023. Collection method: clinical testing. Allele origin: germline.
Comment: The p.L2327F variant (also known as c.6979C>T), located in coding exon 46 of the NF1 gene, results from a C to T substitution at nucleotide position 6979. The leucine at codon 2327 is replaced by phenylalanine, an amino acid with highly similar properties. This amino acid position is well conserved in available vertebrate species. In addition, this alteration is predicted to be tolerated by in silico analysis. Since supporting evidence is limited at this time, the clinical significance of this alteration remains unclear.

NM_001042492.3(NF1):c.7042C>T (p.Leu2348Phe)

Gene: NF1 (neurofibromin 1; plus strand). Cytogenetic location: 17q11.2.
Variant type: single nucleotide variant.
Coding change: c.7042C>T on transcript NM_001042492.3 (MANE Select); coding-DNA position 7042, C replaced by T.
Protein change: p.Leu2348Phe; replaces leucine 2348 with phenylalanine.
Molecular consequence: missense variant.
Genome position (GRCh38, 1-based): chr17:31,340,625, C>T. VCF-style: chr17-31340625-C-T. GRCh37 (hg19) VCF-style: chr17-29667643-C-T.
Other names: c.6979C>T, p.Leu2327Phe (NM_000267.4); short protein forms L2327F, L2348F.
Identifiers: ClinVar variation 1756408 (VCV001756408.7), dbSNP rs2069794325, ClinGen allele CA399015177.